The following is an entry in ClinVar:

NM_020693.4(DSCAML1):c.4051C>T (p.Arg1351Cys)

Gene: DSCAML1 (DS cell adhesion molecule like 1; minus strand). Cytogenetic location: 11q23.3.
Variant type: single nucleotide variant.
Coding change: c.4051C>T on transcript NM_020693.4 (MANE Select); coding-DNA position 4051, C replaced by T.
Protein change: p.Arg1351Cys; replaces arginine 1351 with cysteine.
Molecular consequence: missense variant.
Genome position (GRCh38, 1-based): chr11:117,439,359, G>A on the plus strand (C>T on the coding strand, the complement: DSCAML1 is on the minus strand). VCF-style: chr11-117439359-G-A. GRCh37 (hg19) VCF-style: chr11-117310075-G-A.
Other names: short protein forms R1351C.
Identifiers: ClinVar variation 3616827 (VCV003616827.2).

ClinVar aggregate classification (germline): Uncertain significance (1 of 4 stars; one submission).

gnomAD v4.1: 15 of 1,613,794 alleles (0.00093%); highest among the groups gnomAD compares: African/African-American, 0.004%; no homozygotes.

Submission:

Labcorp Genetics (formerly Invitae), Labcorp
Classification: Uncertain significance. Last evaluated: 2024-06-24. Review status: criteria provided, single submitter. Criteria: Invitae Variant Classification Sherloc (09022015). Collection method: clinical testing. Allele origin: germline.
Comment: This sequence change replaces arginine, which is basic and polar, with cysteine, which is neutral and slightly polar, at codon 1411 of the DSCAML1 protein (p.Arg1411Cys). This variant is present in population databases (rs766933373, gnomAD 0.003%). This variant has not been reported in the literature in individuals affected with DSCAML1-related conditions. An algorithm developed to predict the effect of missense changes on protein structure and function (PolyPhen-2) suggests that this variant is likely to be disruptive. In summary, the available evidence is currently insufficient to determine the role of this variant in disease. Therefore, it has been classified as a Variant of Uncertain Significance.